The following is an entry in ClinVar:

ClinVar aggregate classification (germline): Uncertain significance. Review status: criteria provided, multiple submitters, no conflicts (2 of 4 stars). 3 submissions from 3 submitters: Uncertain significance (3). Last evaluated 2024-05-13.

Conditions:
Fanconi anemia (FA). Also called: Fanconi's anemia. Identifiers: Orphanet 84, MedGen C0015625, MeSH D005199, MONDO:0019391.
Fanconi anemia complementation group D2. Also called: FANCD2-Related Fanconi Anemia; FANCONI PANCYTOPENIA, TYPE 4; FANCONI ANEMIA, COMPLEMENTATION GROUP D. Identifiers: Orphanet 84, MedGen C3160738, MONDO:0009214, OMIM 227646.

Allele frequency attached by ClinVar (database versions not stated): gnomAD 0.00001; TOPMed below 0.00001; ExAC 0.00001; gnomAD exomes 0.00001.
gnomAD v4.1: 8 of 1,610,240 alleles (0.0005%); highest among the groups gnomAD compares: East Asian, 0.0045%; no homozygotes.

Submissions (3):

Fulgent Genetics
Classification: Uncertain significance for Fanconi anemia complementation group D2. Last evaluated: 2024-05-13. Review status: criteria provided, single submitter. Criteria: ACMG Guidelines, 2015. Collection method: clinical testing. Allele origin: germline.

Laboratorio de Genetica e Diagnostico Molecular, Hospital Israelita Albert Einstein
Classification: Uncertain significance for Fanconi anemia complementation group D2. Last evaluated: 2024-04-15. Review status: criteria provided, single submitter. Criteria: ACMG Guidelines, 2015. Collection method: clinical testing. Allele origin: germline. Affected: yes.
Comment: ACMG classification criteria: PM2 supporting, BP4 supporting

Labcorp Genetics (formerly Invitae), Labcorp
Classification: Uncertain significance for Fanconi anemia. Last evaluated: 2022-08-30. Review status: criteria provided, single submitter. Criteria: Invitae Variant Classification Sherloc (09022015). Collection method: clinical testing. Allele origin: germline.
Comment: This sequence change replaces asparagine, which is neutral and polar, with serine, which is neutral and polar, at codon 1176 of the FANCD2 protein (p.Asn1176Ser). This variant is present in population databases (rs764205355, gnomAD 0.01%). This variant has not been reported in the literature in individuals affected with FANCD2-related conditions. ClinVar contains an entry for this variant (Variation ID: 1366625). Algorithms developed to predict the effect of missense changes on protein structure and function output the following: SIFT: "Tolerated"; PolyPhen-2: "Benign"; Align-GVGD: "Class C0". The serine amino acid residue is found in multiple mammalian species, which suggests that this missense change does not adversely affect protein function. In summary, the available evidence is currently insufficient to determine the role of this variant in disease. Therefore, it has been classified as a Variant of Uncertain Significance.

NM_001018115.3(FANCD2):c.3527A>G (p.Asn1176Ser)

Genes: FANCD2 (FA complementation group D2; plus strand), FANCD2OS (FANCD2 opposite strand; minus strand). Cytogenetic location: 3p25.3.
Variant type: single nucleotide variant.
Coding change: c.3527A>G on transcript NM_001018115.3 (MANE Select); coding-DNA position 3527, A replaced by G.
Protein change: p.Asn1176Ser; replaces asparagine 1176 with serine.
Molecular consequence: missense variant. On other transcripts: intron variant (1).
Genome position (GRCh38, 1-based): chr3:10,088,509, A>G. VCF-style: chr3-10088509-A-G. GRCh37 (hg19) VCF-style: chr3-10130193-A-G.
Other names: c.3527A>G, p.Asn1176Ser (NM_001319984.2, NM_001374254.1, NM_033084.6); c.3416A>G, p.Asn1139Ser (NM_001374253.1); c.*44-6978T>C (NM_173472.2); short protein forms N1139S, N1176S.
Identifiers: ClinVar variation 1366625 (VCV001366625.8), dbSNP rs764205355, ClinGen allele CA2250426.
Genomic context (GRCh38, chr3:10,088,509, plus strand): 5'-CTTCCCTTGCCAGACAATTCCTCTGTCGGGTGTGGCCAAGTGGGGATAAAGAGAAGAGCA[A>G]CATCTCTAATGACCAGCTCCATGCTCTGCTCTGGTGAGATGTTTGGTTTCTTCCAATGAG-3'
Protein context (NP_001018125.1, residues 1166-1186): VWPSGDKEKS[Asn1176Ser]ISNDQLHALL